The following is an entry in ClinVar:

ClinVar aggregate classification (germline): Likely benign. Review status: criteria provided, single submitter (1 of 4 stars). 2 submissions from 2 submitters: Likely benign (1). 1 of the submissions does not count toward it. Last evaluated 2022-09-10.

Conditions:
Inborn genetic diseases. Identifiers: MedGen C0950123, MeSH D030342.
CCM2-related disorder. Also called: CCM2-related condition.

Allele frequency attached by ClinVar (database versions not stated): ExAC 0.00003; gnomAD 0.00003; TOPMed 0.00003.
gnomAD v4.1: 19 of 1,611,512 alleles (0.0012%); highest among the groups gnomAD compares: East Asian, 0.013%; no homozygotes.

Submissions (2):

Ambry Genetics
Classification: Likely benign for Inborn genetic diseases. Last evaluated: 2022-09-10. Review status: criteria provided, single submitter. Criteria: Ambry Variant Classification Scheme 2023. Collection method: clinical testing. Allele origin: germline.

PreventionGenetics, part of Exact Sciences
Classification: Likely benign for CCM2-related condition. Last evaluated: 2019-07-30. Review status: no assertion criteria provided. Collection method: clinical testing. Allele origin: germline. Not counted in ClinVar's aggregate classification.
Comment: This variant is classified as likely benign based on ACMG/AMP sequence variant interpretation guidelines (Richards et al. 2015 PMID: 25741868, with internal and published modifications).

NM_031443.4(CCM2):c.894G>C (p.Leu298=)

Gene: CCM2 (CCM2 scaffold protein; plus strand). Cytogenetic location: 7p13.
Variant type: single nucleotide variant.
Coding change: c.894G>C on transcript NM_031443.4 (MANE Select); coding-DNA position 894, G replaced by C.
Protein change: p.Leu298=; no amino-acid change (leucine 298 retained).
Molecular consequence: synonymous variant. On other transcripts: non-coding transcript variant (1).
Genome position (GRCh38, 1-based): chr7:45,073,550, G>C. VCF-style: chr7-45073550-G-C. GRCh37 (hg19) VCF-style: chr7-45113149-G-C.
Other names: c.957G>C, p.Leu319= (NM_001029835.2); c.720G>C, p.Leu240= (NM_001167934.2); c.621G>C, p.Leu207= (NM_001167935.2); c.1017G>C, p.Leu339= (NM_001363458.2); c.843G>C, p.Leu281= (NM_001363459.2).
Identifiers: ClinVar variation 1765230 (VCV001765230.4), dbSNP rs752323466, ClinGen allele CA4247175.